The following is an entry in ClinVar:

NM_198253.3(TERT):c.1748A>C (p.Lys583Thr)

Gene: TERT (telomerase reverse transcriptase; minus strand). Cytogenetic location: 5p15.33.
Variant type: single nucleotide variant.
Coding change: c.1748A>C on transcript NM_198253.3 (MANE Select); coding-DNA position 1748, A replaced by C.
Protein change: p.Lys583Thr; replaces lysine 583 with threonine.
Molecular consequence: missense variant. On other transcripts: non-coding transcript variant (2).
Genome position (GRCh38, 1-based): chr5:1,282,450, T>G on the plus strand (A>C on the coding strand, the complement: TERT is on the minus strand). VCF-style: chr5-1282450-T-G. GRCh37 (hg19) VCF-style: chr5-1282565-T-G.
Other names: c.1748A>C, p.Lys583Thr (NM_001193376.3, NM_003219.1); short protein forms K583T.
Identifiers: ClinVar variation 2454090 (VCV002454090.2), dbSNP rs2478304671, ClinGen allele CA359082843.

ClinVar aggregate classification (germline): Uncertain significance (1 of 4 stars; one submission).

Conditions:
Dyskeratosis congenita. Identifiers: Orphanet 1775, MedGen C0265965, MONDO:0015780.

Submission:

Ambry Genetics
Classification: Uncertain significance for Dyskeratosis congenita. Last evaluated: 2023-02-23. Review status: criteria provided, single submitter. Criteria: Ambry Variant Classification Scheme 2023. Collection method: clinical testing. Allele origin: germline.
Comment: The p.K583T variant (also known as c.1748A>C), located in coding exon 3 of the TERT gene, results from an A to C substitution at nucleotide position 1748. The lysine at codon 583 is replaced by threonine, an amino acid with similar properties. This amino acid position is conserved. In addition, this alteration is predicted to be tolerated by in silico analysis. Since supporting evidence is limited at this time, the clinical significance of this alteration remains unclear.